The following is an entry in ClinVar:

ClinVar aggregate classification (germline): Conflicting classifications of pathogenicity. Review status: criteria provided, conflicting classifications (1 of 4 stars). 3 submissions from 3 submitters: Likely pathogenic (1); Uncertain significance (1). 1 of the submissions does not count toward it. Last evaluated 2025-11-11.

Conditions:
Mitochondrial DNA deletion syndrome with progressive myopathy. Also called: PROGRESSIVE EXTERNAL OPHTHALMOPLEGIA, AUTOSOMAL DOMINANT 6; Progressive external ophthalmoplegia with mitochondrial DNA deletions, autosomal dominant 6. Identifiers: Orphanet 352470, MedGen C3554599, MONDO:0014062, OMIM 615156.

gnomAD v4.1: 14 of 1,594,212 alleles (0.00088%); highest among the groups gnomAD compares: Admixed American, 0.0053%; no homozygotes.

Submissions (3):

Labcorp Genetics (formerly Invitae), Labcorp
Classification: Uncertain significance. Last evaluated: 2025-11-11. Review status: criteria provided, single submitter. Criteria: Invitae Variant Classification Sherloc (09022015). Collection method: clinical testing. Allele origin: germline.
Comment: This sequence change replaces alanine, which is neutral and non-polar, with glycine, which is neutral and non-polar, at codon 221 of the DNA2 protein (p.Ala221Gly). The frequency data for this variant in the population databases is considered unreliable, as metrics indicate poor data quality at this position in the gnomAD database. This missense change has been observed in individual(s) with autosomal dominant DNA2-related conditions (PMID: 31478350). ClinVar contains an entry for this variant (Variation ID: 1176875). Invitae Evidence Modeling of protein sequence and biophysical properties (such as structural, functional, and spatial information, amino acid conservation, physicochemical variation, residue mobility, and thermodynamic stability) indicates that this missense variant is not expected to disrupt DNA2 protein function with a negative predictive value of 80%. In summary, the available evidence is currently insufficient to determine the role of this variant in disease. Therefore, it has been classified as a Variant of Uncertain Significance.

CeGaT Center for Human Genetics Tuebingen
Classification: Likely pathogenic. Last evaluated: 2022-02-01. Review status: criteria provided, single submitter. Criteria: CeGaT Center For Human Genetics Tuebingen Variant Classification Criteria Version 2. Collection method: clinical testing. Allele origin: germline. Affected: yes. Observed: 3 variant alleles.

Zotz-Klimas Genetics Lab, MVZ Zotz Klimas
Classification: Likely pathogenic for Mitochondrial DNA deletion syndrome with progressive myopathy. Last evaluated: 2023-10-30. Review status: no assertion criteria provided. Collection method: clinical testing. Allele origin: germline. Affected: yes. Not counted in ClinVar's aggregate classification.

Literature cited by the submitters: PubMed 31478350 (cited by Labcorp Genetics (formerly Invitae), Labcorp).

NM_001080449.3(DNA2):c.662C>G (p.Ala221Gly)

Gene: DNA2 (DNA replication helicase/nuclease 2; minus strand). Cytogenetic location: 10q21.3.
Variant type: single nucleotide variant.
Coding change: c.662C>G on transcript NM_001080449.3 (MANE Select); coding-DNA position 662, C replaced by G.
Protein change: p.Ala221Gly; replaces alanine 221 with glycine.
Molecular consequence: missense variant. On other transcripts: non-coding transcript variant (1).
Genome position (GRCh38, 1-based): chr10:68,459,161, G>C on the plus strand (C>G on the coding strand, the complement: DNA2 is on the minus strand). VCF-style: chr10-68459161-G-C. GRCh37 (hg19) VCF-style: chr10-70218918-G-C.
Other names: short protein forms A221G.
Identifiers: ClinVar variation 1176875 (VCV001176875.42), dbSNP rs751031650, ClinGen allele CA5525247.